The following is an entry in ClinVar:

NM_016938.5(EFEMP2):c.535A>G (p.Asn179Asp)

Gene: EFEMP2 (EGF-like fibulin extracellular matrix protein 2; minus strand). Cytogenetic location: 11q13.1.
Variant type: single nucleotide variant.
Coding change: c.535A>G on transcript NM_016938.5 (MANE Select); coding-DNA position 535, A replaced by G.
Protein change: p.Asn179Asp; replaces asparagine 179 with aspartic acid.
Molecular consequence: missense variant. On other transcripts: non-coding transcript variant (1).
Genome position (GRCh38, 1-based): chr11:65,870,193, T>C on the plus strand (A>G on the coding strand, the complement: EFEMP2 is on the minus strand). VCF-style: chr11-65870193-T-C. GRCh37 (hg19) VCF-style: chr11-65637664-T-C.
Other names: short protein forms N179D.
Identifiers: ClinVar variation 2067944 (VCV002067944.4), dbSNP rs2495577922, ClinGen allele CA381360955.
Genomic context (GRCh38, chr11:65,870,193, plus strand): 5'-GGTTGTTAGGCCCCAGCTGGAAGCCCGGCTCGCACTGGCAGCGGAAGGAGCCAGGCAGGT[T>C]CACGCAGCGGTGCTGGCAGTAGCGGTAGCGGCACTCGTCTATGTCTAGGGATAGAGGCAG-3'
Protein context (NP_058634.4, residues 169-189): RYRYCQHRCV[Asn179Asp]LPGSFRCQCE

ClinVar aggregate classification (germline): Uncertain significance (1 of 4 stars; one submission).

Conditions:
Cutis laxa, autosomal recessive, type 1B (ARCL1B). Also called: EFEMP2-Related Cutis Laxa; CUTIS LAXA, AUTOSOMAL RECESSIVE, TYPE IB. Identifiers: Orphanet 90349, MedGen C3280798, MONDO:0013754, OMIM 614437. Disease mechanism: loss of function.

Submission:

Labcorp Genetics (formerly Invitae), Labcorp
Classification: Uncertain significance for Cutis laxa, autosomal recessive, type 1B. Last evaluated: 2021-12-31. Review status: criteria provided, single submitter. Criteria: Invitae Variant Classification Sherloc (09022015). Collection method: clinical testing. Allele origin: germline.
Comment: This sequence change replaces asparagine, which is neutral and polar, with aspartic acid, which is acidic and polar, at codon 179 of the EFEMP2 protein (p.Asn179Asp). This variant is not present in population databases (gnomAD no frequency). This variant has not been reported in the literature in individuals affected with EFEMP2-related conditions. Algorithms developed to predict the effect of missense changes on protein structure and function are either unavailable or do not agree on the potential impact of this missense change (SIFT: "Deleterious"; PolyPhen-2: "Possibly Damaging"; Align-GVGD: "Class C15"). In summary, the available evidence is currently insufficient to determine the role of this variant in disease. Therefore, it has been classified as a Variant of Uncertain Significance.